The following continues an entry in ClinVar:

NM_000535.7(PMS2):c.1711C>A (p.Leu571Ile)

Gene: PMS2. ClinVar aggregate classification (germline): Likely benign. Likely benign (1).

Submissions 20 to 30 of 30:

Color Diagnostics, LLC DBA Color Health
Classification: Benign for Hereditary cancer-predisposing syndrome. Last evaluated: 2014-12-09. Review status: criteria provided, single submitter. Criteria: ACMG Guidelines, 2015. Collection method: clinical testing. Allele origin: germline. Not counted in ClinVar's aggregate classification.

Ambry Genetics
Classification: Benign for Hereditary cancer-predisposing syndrome. Last evaluated: 2014-11-18. Review status: criteria provided, single submitter. Criteria: Ambry Variant Classification Scheme 2023. Collection method: clinical testing. Allele origin: germline. Not counted in ClinVar's aggregate classification.

GeneDx
Classification: Benign. Last evaluated: 2013-12-07. Review status: criteria provided, single submitter. Criteria: GeneDx Variant Classification (06012015). Collection method: clinical testing. Allele origin: germline. Affected: yes. Not counted in ClinVar's aggregate classification.
Comment: This variant is considered likely benign or benign based on one or more of the following criteria: it is a conservative change, it occurs at a poorly conserved position in the protein, it is predicted to be benign by multiple in silico algorithms, and/or has population frequency not consistent with disease.

Breakthrough Genomics
Classification: Likely benign. Review status: criteria provided, single submitter. Criteria: ACMG Guidelines, 2015. Collection method: not provided. Allele origin: germline. Inheritance: Autosomal recessive inheritance. Affected: yes. Not counted in ClinVar's aggregate classification.

True Health Diagnostics
Classification: Benign for Hereditary cancer-predisposing syndrome. Last evaluated: 2017-11-30. Review status: no assertion criteria provided. Collection method: clinical testing. Allele origin: germline. Not counted in ClinVar's aggregate classification.

ITMI
No classification provided. Condition: AllHighlyPenetrant. Last evaluated: 2013-09-19. Review status: no classification provided. Collection method: reference population. Allele origin: germline. Not counted in ClinVar's aggregate classification.
Comment: Please see associated publication for description of ethnicities

Biesecker Lab/Clinical Genomics Section, National Institutes of Health
Classification: Uncertain significance. Last evaluated: 2012-07-13. Review status: no assertion criteria provided. Collection method: research. Allele origin: germline. Affected: no. Observed: 1 variant allele. Study: ClinSeq. Not counted in ClinVar's aggregate classification.
ClinVar note: Converted during submission from variant of unknown significance to Uncertain significance.

Clinical Genetics, Academic Medical Center
Classification: Likely benign. Review status: no assertion criteria provided. Collection method: clinical testing. Allele origin: germline. Affected: yes. Study: VKGL Data-share Consensus. Not counted in ClinVar's aggregate classification.

Department of Pathology and Laboratory Medicine, Sinai Health System
Classification: Likely benign for Carcinoma of colon. Review status: no assertion criteria provided. Collection method: clinical testing. Allele origin: unknown. Affected: yes. Study: The Canadian Open Genetics Repository (COGR). Not counted in ClinVar's aggregate classification.
Comment: The PMS2 p.Leu571Ile variant was identified 5 of 2018 proband chromosomes (frequency: 0.002) from Dutch and American individuals or families with Lynch Syndrome, suspected Lynch Syndrome, or individuals being ascertained for atherosclerosis phenotypes (van der Klift 2016, Johnston 2012, Clendenning 2006). The variant was identified in the following databases: dbSNP (ID: rs63750055) as â€šÃ„Ãºotherâ€šÃ„Ã¹, ClinVar (classified as likely benign, reviewed by an expert panel; classified as likely benign by InSIGHT, Vantari Genetics, Center for Pediatric Genomic Medicine, Children's Mercy Hospital and Clinics; benign by GeneDx, Ambry Genetics, Invitae; uncertain significance by Biesecker Lab/Human Development Section-NIH; and classification not provided by ITMI), Clinvitae (4X), Insight Colon Cancer Gene Variant Database (3X), and Insight Hereditary Tumors Database; but was not identified in COGR, Cosmic, MutDB, Zhejiang Colon Cancer Database and the Mismatch Repair Genes Variant Database. The variant was identified in control databases in 760 (10 homozygous) of 277148 chromosomes at a frequency of 0.003 increasing the likelihood this could be a low frequency benign variant (Genome Aggregation Consortium Feb 27, 2017). The variant was identified in the following population at a frequency greater than 1%: African in 506 (10 homozygous) of 23994 chromosomes (freq: 0.021). The p.Leu571 residue is not conserved in mammals and computational analyses (PolyPhen-2, SIFT, AlignGVGD, BLOSUM, MutationTaster) do not suggest a high likelihood of impact to the protein; however, this information is not predictive enough to rule out pathogenicity. The variant occurs outside of the splicing consensus sequence and in silico or computational prediction software programs (SpliceSiteFinder, MaxEntScan, NNSPLICE, GeneSplicer, HumanSpliceFinder) do not predict a difference in splicing. In summary, based on the above information the clinical significance of this variant cannot be determined with certainty at this time although we would lean towards a more benign role for this variant. This variant is classified as likely benign.

Genome Diagnostics Laboratory, Amsterdam University Medical Center
Classification: Likely benign. Review status: no assertion criteria provided. Collection method: clinical testing. Allele origin: germline. Affected: yes. Study: VKGL Data-share Consensus. Not counted in ClinVar's aggregate classification.

Laboratory of Diagnostic Genome Analysis, Leiden University Medical Center (LUMC)
Classification: Likely benign. Review status: no assertion criteria provided. Collection method: clinical testing. Allele origin: germline. Affected: yes. Study: VKGL Data-share Consensus. Not counted in ClinVar's aggregate classification.

Literature cited by the submitters: PubMed 16619239 (cited by Illumina Laboratory Services, Illumina); PubMed 24728327 (cited by ITMI).